The following is an entry in ClinVar:

ClinVar aggregate classification (germline): Uncertain significance (1 of 4 stars; one submission).

Conditions:
Immunodeficiency, common variable, 2 (CVID2). Also called: ANTIBODY DEFICIENCY DUE TO TACI DEFECT; HYPOGAMMAGLOBULINEMIA DUE TO TACI DEFICIENCY. Identifiers: Orphanet 1572, MedGen C3150354, MONDO:0009413, OMIM 240500.

Submission:

Labcorp Genetics (formerly Invitae), Labcorp
Classification: Uncertain significance for Immunodeficiency, common variable, 2. Last evaluated: 2019-11-22. Review status: criteria provided, single submitter. Criteria: Invitae Variant Classification Sherloc (09022015). Collection method: clinical testing. Allele origin: germline.
Comment: Algorithms developed to predict the effect of missense changes on protein structure and function output the following: SIFT: "Tolerated"; PolyPhen-2: "Benign"; Align-GVGD: "Class C0". The serine amino acid residue is found in multiple mammalian species, suggesting that this missense change does not adversely affect protein function. These predictions have not been confirmed by published functional studies and their clinical significance is uncertain. This variant has not been reported in the literature in individuals with TNFRSF13B-related conditions. This variant is not present in population databases (ExAC no frequency). This sequence change replaces asparagine with serine at codon 106 of the TNFRSF13B protein (p.Asn106Ser). The asparagine residue is moderately conserved and there is a small physicochemical difference between asparagine and serine. In summary, the available evidence is currently insufficient to determine the role of this variant in disease. Therefore, it has been classified as a Variant of Uncertain Significance.

NM_012452.3(TNFRSF13B):c.317A>G (p.Asn106Ser)

Gene: TNFRSF13B (TNF receptor superfamily member 13B; minus strand). Cytogenetic location: 17p11.2.
Variant type: single nucleotide variant.
Coding change: c.317A>G on transcript NM_012452.3 (MANE Select); coding-DNA position 317, A replaced by G.
Protein change: p.Asn106Ser; replaces asparagine 106 with serine.
Molecular consequence: missense variant.
Genome position (GRCh38, 1-based): chr17:16,948,866, T>C on the plus strand (A>G on the coding strand, the complement: TNFRSF13B is on the minus strand). VCF-style: chr17-16948866-T-C. GRCh37 (hg19) VCF-style: chr17-16852180-T-C.
Other names: short protein forms N106S.
Identifiers: ClinVar variation 861563 (VCV000861563.6), dbSNP rs2087567988, ClinGen allele CA398520005.
Genomic context (GRCh38, chr17:16,948,866, plus strand): 5'-ACTTCTCCACTCCGCTGTCTCCTGAGCTCTGGTGGAAGGTTCACTGGGCTCCTGAGCTTG[T>C]TCTCACAGAAGTATGCACATTGCTTAGGGTGCTGTCCACAGATGGAGGCACAGCTGATGC-3'
Protein context (NP_036584.1, residues 96-116): HPKQCAYFCE[Asn106Ser]KLRSPVNLPP